The following is an entry in ClinVar:

NM_014712.3(SETD1A):c.3957G>A (p.Glu1319=)

Gene: SETD1A (SET domain containing 1A, histone lysine methyltransferase; plus strand). Cytogenetic location: 16p11.2.
Variant type: single nucleotide variant.
Coding change: c.3957G>A on transcript NM_014712.3 (MANE Select); coding-DNA position 3957, G replaced by A.
Protein change: p.Glu1319=; no amino-acid change (glutamic acid 1319 retained).
Molecular consequence: synonymous variant.
Genome position (GRCh38, 1-based): chr16:30,979,743, G>A. VCF-style: chr16-30979743-G-A. GRCh37 (hg19) VCF-style: chr16-30991064-G-A.
Identifiers: ClinVar variation 4681371 (VCV004681371.5).

ClinVar aggregate classification (germline): Likely benign (1 of 4 stars; one submission).

gnomAD v4.1: 78 of 1,598,310 alleles (0.0049%); highest among the groups gnomAD compares: African/African-American, 0.094%; 1 homozygote.

Submission:

CeGaT Center for Human Genetics Tuebingen
Classification: Likely benign. Last evaluated: 2025-12-01. Review status: criteria provided, single submitter. Criteria: CeGaT Center For Human Genetics Tuebingen Variant Classification Criteria Version 2. Collection method: clinical testing. Allele origin: germline. Affected: yes. Observed: 1 variant allele.
Comment: SETD1A: BP4, BP7